The following is an entry in ClinVar:

ClinVar aggregate classification (germline): Benign/Likely benign. Review status: criteria provided, multiple submitters, no conflicts (2 of 4 stars). 3 submissions from 3 submitters: Benign (1); Likely benign (2). Last evaluated 2025-04-13.

Conditions:
Hereditary cancer-predisposing syndrome. Also called: Neoplastic Syndromes, Hereditary; Hereditary neoplastic syndrome; Tumor predisposition; Hereditary Cancer Syndrome. Identifiers: Orphanet 140162, MedGen C0027672, MeSH D009386, MONDO:0015356.
Renal cell carcinoma. Identifiers: Orphanet 217071, MedGen C0007134, MeSH D002292, MONDO:0005086, HP:0005584.
Papillary renal cell carcinoma type 1 (RCCP1). Also called: Renal adenocarcinoma; Renal cell carcinoma 1; Renal cell carcinoma, somatic; RENAL CELL CARCINOMA, PAPILLARY, 1, SOMATIC. Identifiers: Orphanet 47044, MedGen C1336839, OMIM 605074, HP:0011797.

Allele frequency attached by ClinVar (database versions not stated): gnomAD exomes below 0.00001.
gnomAD v4.1: 1 of 1,614,150 alleles (0.000062%); highest among the groups gnomAD compares: Non-Finnish European, 0.000085%; no homozygotes.

Submissions (3):

Labcorp Genetics (formerly Invitae), Labcorp
Classification: Likely benign for Renal cell carcinoma. Last evaluated: 2025-04-13. Review status: criteria provided, single submitter. Criteria: Invitae Variant Classification Sherloc (09022015). Collection method: clinical testing. Allele origin: germline.

Myriad Genetics, Inc.
Classification: Benign for Papillary renal cell carcinoma type 1. Last evaluated: 2024-11-13. Review status: criteria provided, single submitter. Criteria: Myriad Autosomal Dominant, Autosomal Recessive and X-Linked Classification Criteria (2023). Collection method: clinical testing. Allele origin: unknown.
Comment: This variant is considered benign. This variant is a silent/synonymous amino acid change and it is not expected to impact splicing.

Ambry Genetics
Classification: Likely benign for Hereditary cancer-predisposing syndrome. Last evaluated: 2022-10-04. Review status: criteria provided, single submitter. Criteria: Ambry Variant Classification Scheme 2023. Collection method: clinical testing. Allele origin: germline.

NM_000245.4(MET):c.3135A>G (p.Pro1045=)

Gene: MET (MET proto-oncogene, receptor tyrosine kinase; plus strand). Cytogenetic location: 7q31.2.
Variant type: single nucleotide variant.
Coding change: c.3135A>G on transcript NM_000245.4 (MANE Select); coding-DNA position 3135, A replaced by G.
Protein change: p.Pro1045=; no amino-acid change (proline 1045 retained).
Molecular consequence: synonymous variant.
Genome position (GRCh38, 1-based): chr7:116,774,987, A>G. VCF-style: chr7-116774987-A-G. GRCh37 (hg19) VCF-style: chr7-116415041-A-G.
Other names: c.3189A>G, p.Pro1063= (NM_001127500.3); c.1845A>G, p.Pro615= (NM_001324402.2).
Identifiers: ClinVar variation 793916 (VCV000793916.14), dbSNP rs1584957836, ClinGen allele CA457218399.